The following is an entry in ClinVar:

ClinVar aggregate classification (germline): Likely benign. Review status: criteria provided, multiple submitters, no conflicts (2 of 4 stars). 2 submissions from 2 submitters: Likely benign (2). Last evaluated 2025-10-31.

Conditions:
GRXCR2-related disorder. Also called: GRXCR2-related condition.

Allele frequency attached by ClinVar (database versions not stated): gnomAD exomes 0.00011 and 0.00023; ExAC 0.00025; gnomAD 0.00103 and 0.00108; ESP Exome Variant Server 0.00123; TOPMed 0.00124; 1000 Genomes Project 30x 0.00172; 1000 Genomes Project 0.00180.
gnomAD v4.1: 335 of 1,614,158 alleles (0.021%); highest among the groups gnomAD compares: African/African-American, 0.35%; 1 homozygote.

Submissions (2):

Labcorp Genetics (formerly Invitae), Labcorp
Classification: Likely benign. Last evaluated: 2025-10-31. Review status: criteria provided, single submitter. Criteria: Invitae Variant Classification Sherloc (09022015). Collection method: clinical testing. Allele origin: germline.

PreventionGenetics, part of Exact Sciences
Classification: Likely benign for GRXCR2-related condition. Last evaluated: 2025-08-06. Review status: criteria provided, single submitter. Criteria: ACMG Guidelines, 2015. Collection method: clinical testing. Allele origin: germline.
Comment: This variant is classified as likely benign based on ACMG/AMP sequence variant interpretation guidelines (Richards et al. 2015 PMID: 25741868, with internal and published modifications).

NM_001080516.2(GRXCR2):c.128A>G (p.Glu43Gly)

Gene: GRXCR2 (glutaredoxin and cysteine rich domain containing 2; minus strand). Cytogenetic location: 5q32.
Variant type: single nucleotide variant.
Coding change: c.128A>G on transcript NM_001080516.2 (MANE Select); coding-DNA position 128, A replaced by G.
Protein change: p.Glu43Gly; replaces glutamic acid 43 with glycine.
Molecular consequence: missense variant.
Genome position (GRCh38, 1-based): chr5:145,872,841, T>C on the plus strand (A>G on the coding strand, the complement: GRXCR2 is on the minus strand). VCF-style: chr5-145872841-T-C. GRCh37 (hg19) VCF-style: chr5-145252404-T-C.
Other names: c.128A>G (NM_001080516.1); short protein forms E43G.
Identifiers: ClinVar variation 1595097 (VCV001595097.9), dbSNP rs56111048, ClinGen allele CA3488109.